The following is an entry in ClinVar:

ClinVar aggregate classification (germline): Uncertain significance (1 of 4 stars; one submission).

Conditions:
Hereditary cancer-predisposing syndrome. Also called: Hereditary Cancer Syndrome; Hereditary neoplastic syndrome; Tumor predisposition; Neoplastic Syndromes, Hereditary. Identifiers: Orphanet 140162, MedGen C0027672, MeSH D009386, MONDO:0015356.

Submission:

Ambry Genetics
Classification: Uncertain significance for Hereditary cancer-predisposing syndrome. Last evaluated: 2021-11-02. Review status: criteria provided, single submitter. Criteria: Ambry Variant Classification Scheme 2023. Collection method: clinical testing. Allele origin: germline.
Comment: The p.I825L variant (also known as c.2473A>C), located in coding exon 4 of the MSH6 gene, results from an A to C substitution at nucleotide position 2473. The isoleucine at codon 825 is replaced by leucine, an amino acid with highly similar properties. This amino acid position is highly conserved in available vertebrate species. In addition, this alteration is predicted to be deleterious by in silico analysis. Since supporting evidence is limited at this time, the clinical significance of this alteration remains unclear.

NM_000179.3(MSH6):c.2473A>C (p.Ile825Leu)

Gene: MSH6 (mutS homolog 6; plus strand). Cytogenetic location: 2p16.3.
Variant type: single nucleotide variant.
Coding change: c.2473A>C on transcript NM_000179.3 (MANE Select); coding-DNA position 2473, A replaced by C.
Protein change: p.Ile825Leu; replaces isoleucine 825 with leucine.
Molecular consequence: missense variant.
Genome position (GRCh38, 1-based): chr2:47,800,456, A>C. VCF-style: chr2-47800456-A-C. GRCh37 (hg19) VCF-style: chr2-48027595-A-C.
Other names: c.2083A>C, p.Ile695Leu (NM_001281492.2); c.1567A>C, p.Ile523Leu (NM_001281493.2, NM_001281494.2, NM_001406811.1 and 6 more transcripts); c.2569A>C, p.Ile857Leu (NM_001406795.1, NM_001406802.1); c.2473A>C, p.Ile825Leu (NM_001406796.1, NM_001406798.1, NM_001406800.1 and 2 more transcripts); c.2176A>C, p.Ile726Leu (NM_001406797.1, NM_001406801.1, NM_001406805.1 and 10 more transcripts); c.1948A>C, p.Ile650Leu (NM_001406799.1, NM_001406806.1, NM_001406807.1); c.2395A>C, p.Ile799Leu (NM_001406804.1); c.2479A>C, p.Ile827Leu (NM_001406813.1); and 1 more; short protein forms I726L, I857L, I769L, I825L, I523L, I827L, I650L, I695L.
Identifiers: ClinVar variation 1791805 (VCV001791805.2), dbSNP rs2104408605, ClinGen allele CA346754132.
Genomic context (GRCh38, chr2:47,800,456, plus strand): 5'-ATCTCCGAAGTTGTAGAGCTTCTAAAGAAGCTTCCAGATCTTGAGAGGCTACTCAGTAAA[A>C]TTCATAATGTTGGGTCTCCCCTGAAGAGTCAGAACCACCCAGACAGCAGGGCTATAATGT-3'
Protein context (NP_000170.1, residues 815-835): LPDLERLLSK[Ile825Leu]HNVGSPLKSQ